The following is an entry in ClinVar:

ClinVar aggregate classification (germline): Pathogenic (1 of 4 stars; one submission).

Submission:

Labcorp Genetics (formerly Invitae), Labcorp
Classification: Pathogenic. Last evaluated: 2022-10-26. Review status: criteria provided, single submitter. Criteria: Invitae Variant Classification Sherloc (09022015). Collection method: clinical testing. Allele origin: germline.
Comment: For these reasons, this variant has been classified as Pathogenic. This variant has not been reported in the literature in individuals affected with PCDH12-related conditions. This variant is not present in population databases (gnomAD no frequency). This sequence change creates a premature translational stop signal (p.Leu11Phefs*11) in the PCDH12 gene. It is expected to result in an absent or disrupted protein product. Loss-of-function variants in PCDH12 are known to be pathogenic (PMID: 27164683, 29556033).

Literature cited by the submitters: PubMed 27164683; PubMed 29556033.

NM_016580.4(PCDH12):c.30del (p.Leu11fs)

Genes: RNF14 (ring finger protein 14; plus strand), PCDH12 (protocadherin 12; minus strand). Cytogenetic location: 5q31.3.
Variant type: Deletion.
Coding change: c.30del on transcript NM_016580.4 (MANE Select); coding-DNA position 30, one base deleted (G; older notation c.30delG).
Protein change: p.Leu11fs; shifts the reading frame from leucine 11.
Molecular consequence: frameshift variant.
Genome position (GRCh38, 1-based): chr5:141,957,822, C deleted on the plus strand (G on the coding strand, the reverse complement: PCDH12 is on the minus strand); the first of 4 consecutive C bases (chr5:141,957,822-141,957,825); deleting any one gives the same sequence. VCF-style (leftmost placement, unchanged base first): chr5-141957821-GC-G. GRCh37 (hg19) VCF-style: chr5-141337386-GC-G.
Other names: short protein forms L11fs.
Identifiers: ClinVar variation 2022545 (VCV002022545.4), dbSNP rs2532559727, ClinGen allele CA2580073004.